The following is an entry in ClinVar:

NM_001204.7(BMPR2):c.2365G>T (p.Ala789Ser)

Gene: BMPR2 (bone morphogenetic protein receptor type 2; plus strand). Cytogenetic location: 2q33.2.
Variant type: single nucleotide variant.
Coding change: c.2365G>T on transcript NM_001204.7 (MANE Select); coding-DNA position 2365, G replaced by T.
Protein change: p.Ala789Ser; replaces alanine 789 with serine.
Molecular consequence: missense variant.
Genome position (GRCh38, 1-based): chr2:202,556,030, G>T. VCF-style: chr2-202556030-G-T. GRCh37 (hg19) VCF-style: chr2-203420753-G-T.
Other names: short protein forms A789S.
Identifiers: ClinVar variation 3992170 (VCV003992170.1).

ClinVar aggregate classification (germline): Uncertain significance (1 of 4 stars; one submission).

Conditions:
Inborn genetic diseases. Identifiers: MedGen C0950123, MeSH D030342.

Submission:

Ambry Genetics
Classification: Uncertain significance for Inborn genetic diseases. Last evaluated: 2025-05-17. Review status: criteria provided, single submitter. Criteria: Ambry Variant Classification Scheme 2023. Collection method: clinical testing. Allele origin: germline.
Comment: The p.A789S variant (also known as c.2365G>T), located in coding exon 12 of the BMPR2 gene, results from a G to T substitution at nucleotide position 2365. The alanine at codon 789 is replaced by serine, an amino acid with similar properties. This amino acid position is conserved. In addition, this alteration is predicted to be tolerated by in silico analysis. Based on the available evidence, the clinical significance of this variant remains unclear.